The following is an entry in ClinVar:

NM_000038.6(APC):c.1885_1886insA (p.Leu629fs)

Gene: APC (APC regulator of Wnt signaling pathway; plus strand). Cytogenetic location: 5q22.2.
Variant type: Insertion.
Coding change: c.1885_1886insA on transcript NM_000038.6 (MANE Select); coding-DNA positions 1885 to 1886, A inserted.
Protein change: p.Leu629fs; shifts the reading frame from leucine 629.
Molecular consequence: frameshift variant.
Genome position: GRCh38 VCF-style: chr5-112835092-T-TA. GRCh37 (hg19) VCF-style: chr5-112170789-T-TA.
Other names: c.1885_1886insA, p.Leu629fs (NM_001127510.3, NM_001354895.2); c.1831_1832insA, p.Leu611fs (NM_001127511.3); c.1939_1940insA, p.Leu647fs (NM_001354896.2); c.1915_1916insA, p.Leu639fs (NM_001354897.2); c.1810_1811insA, p.Leu604fs (NM_001354898.2); c.1801_1802insA, p.Leu601fs (NM_001354899.2); c.1762_1763insA, p.Leu588fs (NM_001354900.2); c.1708_1709insA, p.Leu570fs (NM_001354901.2); and 6 more; short protein forms L469fs, L601fs, L647fs, L503fs, L570fs, L346fs, L528fs, L538fs.
Identifiers: ClinVar variation 809 (VCV000000809.2), dbSNP rs387906233, ClinGen allele CA006264.

ClinVar aggregate classification (germline): Pathogenic. Review status: criteria provided, single submitter (1 of 4 stars). 2 submissions from 2 submitters: Pathogenic (1). 1 of the submissions does not count toward it. Last evaluated 2023-05-03.

Conditions:
Familial adenomatous polyposis 1 (FAP1). Also called: FAMILIAL ADENOMATOUS POLYPOSIS 1, ATTENUATED; POLYPOSIS, ADENOMATOUS INTESTINAL. Identifiers: MedGen C2713442, MONDO:0021056, OMIM 175100. Disease mechanism: loss of function.

Submissions (2):

Myriad Genetics, Inc.
Classification: Pathogenic for Familial adenomatous polyposis 1. Last evaluated: 2023-05-03. Review status: criteria provided, single submitter. Criteria: Myriad Autosomal Dominant, Autosomal Recessive and X-Linked Classification Criteria (2023). Collection method: clinical testing. Allele origin: unknown.
Comment: This variant is considered pathogenic. This variant creates a frameshift predicted to result in premature protein truncation.

OMIM
Classification: Pathogenic for FAMILIAL ADENOMATOUS POLYPOSIS 1. Last evaluated: 1992-08-01. Review status: no assertion criteria provided. Collection method: literature only. Allele origin: germline. Not counted in ClinVar's aggregate classification.

Literature cited by the submitters: PubMed 1324223 (cited by OMIM).